The following is an entry in ClinVar:

ClinVar aggregate classification (germline): Conflicting classifications of pathogenicity. Review status: criteria provided, conflicting classifications (1 of 4 stars). 3 submissions from 3 submitters: Uncertain significance (2); Likely benign (1). Last evaluated 2024-01-08.

Conditions:
Inborn genetic diseases. Identifiers: MedGen C0950123, MeSH D030342.

Allele frequency attached by ClinVar (database versions not stated): gnomAD 0.00003; ExAC 0.00004; TOPMed 0.00004; ESP Exome Variant Server 0.00008.
gnomAD v4.1: 14 of 1,613,640 alleles (0.00087%); highest among the groups gnomAD compares: African/African-American, 0.0013%; no homozygotes.

Submissions (3):

Labcorp Genetics (formerly Invitae), Labcorp
Classification: Likely benign. Last evaluated: 2024-01-08. Review status: criteria provided, single submitter. Criteria: Invitae Variant Classification Sherloc (09022015). Collection method: clinical testing. Allele origin: germline.

Ambry Genetics
Classification: Uncertain significance for Inborn genetic diseases. Last evaluated: 2023-04-28. Review status: criteria provided, single submitter. Criteria: Ambry Variant Classification Scheme 2023. Collection method: clinical testing. Allele origin: germline.

GeneDx
Classification: Uncertain significance. Last evaluated: 2023-02-03. Review status: criteria provided, single submitter. Criteria: GeneDx Variant Classification Process June 2021. Collection method: clinical testing. Allele origin: germline. Affected: yes.
Comment: Has not been previously published as pathogenic or benign to our knowledge; Not observed at significant frequency in large population cohorts (gnomAD); In silico analysis supports that this missense variant does not alter protein structure/function

NM_173076.3(ABCA12):c.746T>C (p.Met249Thr)

Gene: ABCA12 (ATP binding cassette subfamily A member 12; minus strand). Cytogenetic location: 2q35.
Variant type: single nucleotide variant.
Coding change: c.746T>C on transcript NM_173076.3 (MANE Select); coding-DNA position 746, T replaced by C.
Protein change: p.Met249Thr; replaces methionine 249 with threonine.
Molecular consequence: missense variant. On other transcripts: non-coding transcript variant (1).
Genome position (GRCh38, 1-based): chr2:215,045,963, A>G on the plus strand (T>C on the coding strand, the complement: ABCA12 is on the minus strand). VCF-style: chr2-215045963-A-G. GRCh37 (hg19) VCF-style: chr2-215910687-A-G.
Other names: short protein forms M249T.
Identifiers: ClinVar variation 2519325 (VCV002519325.6), dbSNP rs367861522, ClinGen allele CA2092453.